The following is an entry in ClinVar:

NM_001369.3(DNAH5):c.5290_5291insA (p.Ser1764fs)

Gene: DNAH5 (dynein axonemal heavy chain 5; minus strand). Cytogenetic location: 5p15.2.
Variant type: Insertion.
Coding change: c.5290_5291insA on transcript NM_001369.3 (MANE Select); coding-DNA positions 5290 to 5291, A inserted.
Protein change: p.Ser1764fs; shifts the reading frame from serine 1764.
Molecular consequence: frameshift variant.
Genome position: GRCh38 VCF-style: chr5-13841885-G-GT. GRCh37 (hg19) VCF-style: chr5-13841994-G-GT.
Other names: short protein forms S1764fs.
Identifiers: ClinVar variation 5011190 (VCV005011190.1).

ClinVar aggregate classification (germline): Pathogenic (1 of 4 stars; one submission).

Conditions:
Primary ciliary dyskinesia 3. Identifiers: Orphanet 244, MedGen C1837618, MONDO:0012085, OMIM 608644.

Submission:

Myriad Genetics, Inc.
Classification: Pathogenic for Primary ciliary dyskinesia 3. Last evaluated: 2024-05-14. Review status: criteria provided, single submitter. Criteria: Myriad Autosomal Dominant, Autosomal Recessive and X-Linked Classification Criteria (2023). Collection method: clinical testing. Allele origin: unknown.
Comment: NM_001369.2(DNAH5):c.5290_5291insA(S1764Yfs*8) is expected to be pathogenic in the context of primary ciliary dyskinesia, DNAH5-related. This variant is predicted to lead to an abnormal or absent protein product due to the creation of a premature termination codon in DNAH5, a gene where loss-of-function variants are known to be pathogenic. Please note: this variant was assessed in the context of healthy population screening.